The following is an entry in ClinVar:

NM_001378615.1(CC2D2A):c.3514A>G (p.Ser1172Gly)

Genes: CC2D2A (coiled-coil and C2 domain containing 2A; plus strand), FBXL5 (F-box and leucine rich repeat protein 5; minus strand). Cytogenetic location: 4p15.32.
Variant type: single nucleotide variant.
Coding change: c.3514A>G on transcript NM_001378615.1 (MANE Select); coding-DNA position 3514, A replaced by G.
Protein change: p.Ser1172Gly; replaces serine 1172 with glycine.
Molecular consequence: missense variant.
Genome position (GRCh38, 1-based): chr4:15,570,416, A>G. VCF-style: chr4-15570416-A-G. GRCh37 (hg19) VCF-style: chr4-15572039-A-G.
Other names: c.3514A>G, p.Ser1172Gly (NM_001080522.2); c.3367A>G, p.Ser1123Gly (NM_001378617.1); short protein forms S1123G, S1172G.
Identifiers: ClinVar variation 1058386 (VCV001058386.8), dbSNP rs371924209, ClinGen allele CA2864195.
Genomic context (GRCh38, chr4:15,570,416, plus strand): 5'-CTGGAGTTCTTAAGCAATTATTACTTCCCACCCTTCCTTTAGGATGACCGTGAAAGAGGA[A>G]GTGGAATCCATACTCGTATTGAGAGACACTGGCTGGGATGTGTGAAAATGCCATTTAGCA-3'
Protein context (NP_001365544.1, residues 1162-1182): DVLEDDRERG[Ser1172Gly]GIHTRIERHW

ClinVar aggregate classification (germline): Uncertain significance (1 of 4 stars; one submission).

Conditions:
Joubert syndrome. Also called: JOUBERT-BOLTSHAUSER SYNDROME; Familial aplasia of the vermis. Identifiers: Orphanet 475, MedGen C5979921, MONDO:0018772.
Meckel-Gruber syndrome. Also called: Dysencephalia splachnocystica; DYSENCEPHALIA SPLANCHNOCYSTICA; GRUBER SYNDROME. Identifiers: Orphanet 564, MedGen C0265215, MONDO:0018921.

Allele frequency attached by ClinVar (database versions not stated): gnomAD exomes 0.00001; ExAC 0.00003; TOPMed 0.00004; gnomAD 0.00005.

Submission:

Labcorp Genetics (formerly Invitae), Labcorp
Classification: Uncertain significance for Joubert syndrome; Meckel-Gruber syndrome. Last evaluated: 2023-11-27. Review status: criteria provided, single submitter. Criteria: Invitae Variant Classification Sherloc (09022015). Collection method: clinical testing. Allele origin: germline.
Comment: This sequence change replaces serine, which is neutral and polar, with glycine, which is neutral and non-polar, at codon 1172 of the CC2D2A protein (p.Ser1172Gly). The frequency data for this variant in the population databases is considered unreliable, as metrics indicate poor data quality at this position in the gnomAD database. This variant has not been reported in the literature in individuals affected with CC2D2A-related conditions. ClinVar contains an entry for this variant (Variation ID: 1058386). Advanced modeling of protein sequence and biophysical properties (such as structural, functional, and spatial information, amino acid conservation, physicochemical variation, residue mobility, and thermodynamic stability) performed at Invitae indicates that this missense variant is not expected to disrupt CC2D2A protein function with a negative predictive value of 95%. In summary, the available evidence is currently insufficient to determine the role of this variant in disease. Therefore, it has been classified as a Variant of Uncertain Significance.